The following is an entry in ClinVar:

NM_144628.4(TBC1D20):c.-34C>T

Genes: TBC1D20 (TBC1 domain family member 20; minus strand), LOC130065265 (ATAC-STARR-seq lymphoblastoid silent region 12577; plus strand). Cytogenetic location: 20p13.
Variant type: single nucleotide variant.
Coding change: c.-34C>T on transcript NM_144628.4 (MANE Select); 34 bases upstream of the start codon, C replaced by T.
Molecular consequence: 5 prime UTR variant. On other transcripts: non-coding transcript variant (1).
Genome position (GRCh38, 1-based): chr20:462,439, G>A on the plus strand (C>T on the coding strand, the complement: TBC1D20 is on the minus strand). VCF-style: chr20-462439-G-A. GRCh37 (hg19) VCF-style: chr20-443083-G-A.
Identifiers: ClinVar variation 489376 (VCV000489376.2), dbSNP rs999378827, ClinGen allele CA634075823.

ClinVar aggregate classification (germline): Uncertain significance (1 of 4 stars; one submission).

Allele frequency attached by ClinVar (database versions not stated): TOPMed 0.00001.
gnomAD v4.1: 30 of 1,172,586 alleles (0.0026%); highest among the groups gnomAD compares: Non-Finnish European, 0.003%; no homozygotes.

Submission:

GeneDx
Classification: Uncertain significance. Last evaluated: 2018-01-24. Review status: criteria provided, single submitter. Criteria: GeneDx Variant Classification (06012015). Collection method: clinical testing. Allele origin: germline. Affected: yes.
Comment: The c.-34 C>T variant in the 5' untranslated region of the TBC1D20 gene has not been published as a pathogenic variant, nor has it been reported as a benign variant to our knowledge. The c.-34 C>T variant is not observed in large population cohorts (Lek et al., 2016). This substitution occurs at a position that is conserved across species. However, this variant is not expected to alter the ATG initiation codon. Additionally, other regulatory variants have not been reported in the TBC1D20 gene in association with TBC1D20-related disorders (Stenson et al., 2014). In the absence of RNA/functional studies, the actual effect of this sequence change in this individual is unknown. Therefore, based on the currently available information, it is unclear whether this variant is a pathogenic variant or a rare benign variant.